The following is an entry in ClinVar:

ClinVar aggregate classification (germline): Uncertain significance (1 of 4 stars; one submission).

Conditions:
Cystic fibrosis (CF). Also called: MUCOVISCIDOSIS. Identifiers: Orphanet 586, MedGen C0010674, MONDO:0009061, OMIM 219700. Disease mechanism: loss of function.

Submission:

Ambry Genetics
Classification: Uncertain significance for Cystic fibrosis. Last evaluated: 2021-11-24. Review status: criteria provided, single submitter. Criteria: Ambry Variant Classification Scheme 2023. Collection method: clinical testing. Allele origin: germline.
Comment: The p.G1208A variant (also known as c.3623G>C), located in coding exon 22 of the CFTR gene, results from a G to C substitution at nucleotide position 3623. The glycine at codon 1208 is replaced by alanine, an amino acid with similar properties. This amino acid position is highly conserved in available vertebrate species. In addition, this alteration is predicted to be deleterious by in silico analysis. Since supporting evidence is limited at this time, the clinical significance of this alteration remains unclear.

NM_000492.4(CFTR):c.3623G>C (p.Gly1208Ala)

Genes: CFTR-AS2 (CFTR antisense RNA 2; minus strand), CFTR (CF transmembrane conductance regulator; plus strand). Cytogenetic location: 7q31.2.
Variant type: single nucleotide variant.
Coding change: c.3623G>C on transcript NM_000492.4 (MANE Select); coding-DNA position 3623, G replaced by C.
Protein change: p.Gly1208Ala; replaces glycine 1208 with alanine.
Molecular consequence: missense variant.
Genome position (GRCh38, 1-based): chr7:117,627,676, G>C. VCF-style: chr7-117627676-G-C. GRCh37 (hg19) VCF-style: chr7-117267730-G-C.
Other names: short protein forms G1208A.
Identifiers: ClinVar variation 1733348 (VCV001733348.2), dbSNP rs746103666, ClinGen allele CA368997227.